The following is an entry in ClinVar:

ClinVar aggregate classification (germline): Benign. Review status: criteria provided, multiple submitters, no conflicts (2 of 4 stars). 3 submissions from 3 submitters: Benign (2). 1 of the submissions does not count toward it. Last evaluated 2019-12-31.

Conditions:
TRPC5-related disorder. Also called: TRPC5-related condition.

Allele frequency attached by ClinVar (database versions not stated): 1000 Genomes Project 30x 0.00312; ESP Exome Variant Server 0.00435; TOPMed 0.00465.
gnomAD v4.1: 7,006 of 1,208,130 alleles (0.58%); highest among the groups gnomAD compares: Non-Finnish European, 0.7%; 20 homozygotes.

Submissions (3):

Labcorp Genetics (formerly Invitae), Labcorp
Classification: Benign. Last evaluated: 2019-12-31. Review status: criteria provided, single submitter. Criteria: Invitae Variant Classification Sherloc (09022015). Collection method: clinical testing. Allele origin: germline.

Breakthrough Genomics
Classification: Benign. Review status: criteria provided, single submitter. Criteria: ACMG Guidelines, 2015. Collection method: not provided. Allele origin: germline. Inheritance: Unknown mechanism. Affected: yes.

PreventionGenetics, part of Exact Sciences
Classification: Likely benign for TRPC5-related condition. Last evaluated: 2019-05-04. Review status: no assertion criteria provided. Collection method: clinical testing. Allele origin: germline. Not counted in ClinVar's aggregate classification.
Comment: This variant is classified as likely benign based on ACMG/AMP sequence variant interpretation guidelines (Richards et al. 2015 PMID: 25741868, with internal and published modifications).

NM_012471.3(TRPC5):c.39G>A (p.Pro13=)

Gene: TRPC5 (transient receptor potential cation channel subfamily C member 5; minus strand). Cytogenetic location: Xq23.
Variant type: single nucleotide variant.
Coding change: c.39G>A on transcript NM_012471.3 (MANE Select); coding-DNA position 39, G replaced by A.
Protein change: p.Pro13=; no amino-acid change (proline 13 retained).
Molecular consequence: synonymous variant.
Genome position (GRCh38, 1-based): chrX:111,952,382, C>T on the plus strand (G>A on the coding strand, the complement: TRPC5 is on the minus strand). VCF-style: chrX-111952382-C-T. GRCh37 (hg19) VCF-style: chrX-111195610-C-T.
Identifiers: ClinVar variation 781557 (VCV000781557.7), dbSNP rs150908311, ClinGen allele CA10494460.